The following is an entry in ClinVar:

ClinVar aggregate classification (germline): Uncertain significance (1 of 4 stars; one submission).

gnomAD v4.1: 2 of 1,614,026 alleles (0.00012%); highest among the groups gnomAD compares: Non-Finnish European, 0.00017%; no homozygotes.

Submission:

Labcorp Genetics (formerly Invitae), Labcorp
Classification: Uncertain significance. Last evaluated: 2019-07-30. Review status: criteria provided, single submitter. Criteria: Invitae Variant Classification Sherloc (09022015). Collection method: clinical testing. Allele origin: germline.
Comment: This sequence change replaces glutamine with histidine at codon 1288 of the CDH23 protein (p.Gln1288His). The glutamine residue is highly conserved and there is a small physicochemical difference between glutamine and histidine. In summary, the available evidence is currently insufficient to determine the role of this variant in disease. Therefore, it has been classified as a Variant of Uncertain Significance. Algorithms developed to predict the effect of missense changes on protein structure and function are either unavailable or do not agree on the potential impact of this missense change (SIFT: "Tolerated"; PolyPhen-2: "Not Available"; Align-GVGD: "Class C0"). This variant has not been reported in the literature in individuals with CDH23-related conditions. This variant is not present in population databases (ExAC no frequency).

NM_022124.6(CDH23):c.3864G>T (p.Gln1288His)

Genes: C10orf105 (chromosome 10 open reading frame 105; minus strand), CDH23 (cadherin related 23; plus strand). Cytogenetic location: 10q22.1.
Variant type: single nucleotide variant.
Coding change: c.3864G>T on transcript NM_022124.6 (MANE Select); coding-DNA position 3864, G replaced by T.
Protein change: p.Gln1288His; replaces glutamine 1288 with histidine.
Molecular consequence: missense variant. On other transcripts: intron variant (1).
Genome position (GRCh38, 1-based): chr10:71,732,135, G>T. VCF-style: chr10-71732135-G-T. GRCh37 (hg19) VCF-style: chr10-73491892-G-T.
Other names: c.3864G>T, p.Gln1288His (NM_001171930.2); c.-6+5593C>A (NM_001168390.2); short protein forms Q1288H.
Identifiers: ClinVar variation 944858 (VCV000944858.9), dbSNP rs1839411355, ClinGen allele CA377156413.